The following is an entry in ClinVar:

ClinVar aggregate classification (germline): Uncertain significance (1 of 4 stars; one submission).

Allele frequency attached by ClinVar (database versions not stated): gnomAD exomes below 0.00001; gnomAD 0.00001.
gnomAD v4.1: 5 of 1,536,650 alleles (0.00033%); highest among the groups gnomAD compares: East Asian, 0.012%; no homozygotes.

Submission:

Labcorp Genetics (formerly Invitae), Labcorp
Classification: Uncertain significance. Last evaluated: 2024-04-24. Review status: criteria provided, single submitter. Criteria: Invitae Variant Classification Sherloc (09022015). Collection method: clinical testing. Allele origin: germline.
Comment: This sequence change replaces proline, which is neutral and non-polar, with leucine, which is neutral and non-polar, at codon 82 of the GCGR protein (p.Pro82Leu). This variant is present in population databases (no rsID available, gnomAD 0.009%). This variant has not been reported in the literature in individuals affected with GCGR-related conditions. An algorithm developed to predict the effect of missense changes on protein structure and function (PolyPhen-2) suggests that this variant is likely to be disruptive. In summary, the available evidence is currently insufficient to determine the role of this variant in disease. Therefore, it has been classified as a Variant of Uncertain Significance.

NM_000160.5(GCGR):c.245C>T (p.Pro82Leu)

Gene: GCGR (glucagon receptor; plus strand). Cytogenetic location: 17q25.3.
Variant type: single nucleotide variant.
Coding change: c.245C>T on transcript NM_000160.5 (MANE Select); coding-DNA position 245, C replaced by T.
Protein change: p.Pro82Leu; replaces proline 82 with leucine.
Molecular consequence: missense variant.
Genome position (GRCh38, 1-based): chr17:81,810,906, C>T. VCF-style: chr17-81810906-C-T. GRCh37 (hg19) VCF-style: chr17-79768782-C-T.
Other names: short protein forms P82L.
Identifiers: ClinVar variation 2988666 (VCV002988666.3), dbSNP rs1453383640, ClinGen allele CA401492668.
Genomic context (GRCh38, chr17:81,810,906, plus strand): 5'-TCGACAAGTATTCCTGCTGGCCGGACACCCCCGCCAATACCACGGCCAACATCTCCTGCC[C>T]CTGGTACCTGCCTTGGCACCACAAAGGTACCCATAGAGGGGAGGAACTGTGGGGGGGGCG-3'
Protein context (NP_000151.1, residues 72-92): PANTTANISC[Pro82Leu]WYLPWHHKVQ